The following is an entry in ClinVar:

ClinVar aggregate classification (germline): Conflicting classifications of pathogenicity. Review status: criteria provided, conflicting classifications (1 of 4 stars). 2 submissions from 2 submitters: Uncertain significance (1); Likely benign (1). Last evaluated 2025-08-27.

Conditions:
Charcot-Marie-Tooth disease type 2. Also called: Charcot-Marie-Tooth type 2. Identifiers: Orphanet 64746, MedGen C0270914, MONDO:0018993.

Allele frequency attached by ClinVar (database versions not stated): gnomAD exomes below 0.00001; TOPMed below 0.00001.
gnomAD v4.1: 7 of 1,613,542 alleles (0.00043%); highest among the groups gnomAD compares: Admixed American, 0.0017%; no homozygotes.

Submissions (2):

Ambry Genetics
Classification: Likely benign. Last evaluated: 2025-08-27. Review status: criteria provided, single submitter. Criteria: Ambry Variant Classification Scheme 2023. Collection method: clinical testing. Allele origin: germline.

Labcorp Genetics (formerly Invitae), Labcorp
Classification: Uncertain significance for Charcot-Marie-Tooth disease type 2. Last evaluated: 2023-07-22. Review status: criteria provided, single submitter. Criteria: Invitae Variant Classification Sherloc (09022015). Collection method: clinical testing. Allele origin: germline.
Comment: This sequence change affects codon 459 of the KIF1B mRNA. It is a 'silent' change, meaning that it does not change the encoded amino acid sequence of the KIF1B protein. It affects a nucleotide within the consensus splice site. In summary, the available evidence is currently insufficient to determine the role of this variant in disease. Therefore, it has been classified as a Variant of Uncertain Significance. Algorithms developed to predict the effect of sequence changes on RNA splicing suggest that this variant may disrupt the consensus splice site. ClinVar contains an entry for this variant (Variation ID: 1771184). This variant has not been reported in the literature in individuals affected with KIF1B-related conditions. This variant is present in population databases (no rsID available, gnomAD 0.003%).

NM_001365951.3(KIF1B):c.1515A>G (p.Arg505=)

Gene: KIF1B (kinesin family member 1B; plus strand). Cytogenetic location: 1p36.22.
Variant type: single nucleotide variant.
Coding change: c.1515A>G on transcript NM_001365951.3 (MANE Select); coding-DNA position 1515, A replaced by G.
Protein change: p.Arg505=; no amino-acid change (arginine 505 retained).
Molecular consequence: synonymous variant.
Genome position (GRCh38, 1-based): chr1:10,292,047, A>G. VCF-style: chr1-10292047-A-G. GRCh37 (hg19) VCF-style: chr1-10352105-A-G.
Other names: c.1515A>G, p.Arg505= (NM_001365952.1); c.1377A>G, p.Arg459= (NM_001365953.1, NM_015074.3, NM_183416.4).
Identifiers: ClinVar variation 1771184 (VCV001771184.6), dbSNP rs1391892586, ClinGen allele CA415879570.